The following is an entry in ClinVar:

NM_000222.3(KIT):c.1678G>A (p.Val560Ile)

Gene: KIT (KIT proto-oncogene, receptor tyrosine kinase; plus strand). Cytogenetic location: 4q12.
Variant type: single nucleotide variant.
Coding change: c.1678G>A on transcript NM_000222.3 (MANE Select); coding-DNA position 1678, G replaced by A.
Protein change: p.Val560Ile; replaces valine 560 with isoleucine.
Molecular consequence: missense variant.
Genome position (GRCh38, 1-based): chr4:54,727,446, G>A. VCF-style: chr4-54727446-G-A. GRCh37 (hg19) VCF-style: chr4-55593612-G-A.
Other names: c.1666G>A, p.Val556Ile (NM_001093772.2, NM_001385286.1); c.1681G>A, p.Val561Ile (NM_001385284.1, NM_001385290.1); c.1678G>A, p.Val560Ile (NM_001385285.1); c.1669G>A, p.Val557Ile (NM_001385288.1, NM_001385292.1); short protein forms V560I, V556I, V557I, V561I.
Identifiers: ClinVar variation 641568 (VCV000641568.9), dbSNP rs1577994961, ClinGen allele CA356907475.
Genomic context (GRCh38, chr4:54,727,446, plus strand): 5'-GGTGATCTATTTTTCCCTTTCTCCCCACAGAAACCCATGTATGAAGTACAGTGGAAGGTT[G>A]TTGAGGAGATAAATGGAAACAATTATGTTTACATAGACCCAACACAACTTCCTTATGATC-3'
Protein context (NP_000213.1, residues 550-570): KPMYEVQWKV[Val560Ile]EEINGNNYVY

ClinVar aggregate classification (germline): Uncertain significance (1 of 4 stars; one submission).

Conditions:
Gastrointestinal stromal tumor. Also called: Gastrointestinal stromal tumor, somatic; Gastrointestinal stroma tumor. Identifiers: Orphanet 44890, MedGen C0238198, MeSH D046152, MONDO:0011719, OMIM 606764, HP:0100723.

Submission:

Labcorp Genetics (formerly Invitae), Labcorp
Classification: Uncertain significance for Gastrointestinal stromal tumor. Last evaluated: 2021-01-19. Review status: criteria provided, single submitter. Criteria: Invitae Variant Classification Sherloc (09022015). Collection method: clinical testing. Allele origin: germline.
Comment: Algorithms developed to predict the effect of missense changes on protein structure and function are either unavailable or do not agree on the potential impact of this missense change (SIFT: "Tolerated"; PolyPhen-2: "Possibly Damaging"; Align-GVGD: "Class C0"). This variant has not been reported as a germline variant in the literature in individuals with KIT-related conditions. This variant is not present in population databases (ExAC no frequency). This sequence change replaces valine with isoleucine at codon 560 of the KIT protein (p.Val560Ile). The valine residue is highly conserved and there is a small physicochemical difference between valine and isoleucine. In summary, the available evidence is currently insufficient to determine the role of this variant in disease. Therefore, it has been classified as a Variant of Uncertain Significance. Algorithms developed to predict the effect of sequence changes on RNA splicing suggest that this variant may create or strengthen a splice site, but this prediction has not been confirmed by published transcriptional studies.